The following is an entry in ClinVar:

ClinVar aggregate classification (germline): Uncertain significance (1 of 4 stars; one submission).

Conditions:
Cardiovascular phenotype. Identifiers: MedGen CN230736.

Submission:

Ambry Genetics
Classification: Uncertain significance for Cardiovascular phenotype. Last evaluated: 2025-10-14. Review status: criteria provided, single submitter. Criteria: Ambry Variant Classification Scheme 2023. Collection method: clinical testing. Allele origin: germline.
Comment: The p.N69H variant (also known as c.205A>C), located in coding exon 3 of the FKTN gene, results from an A to C substitution at nucleotide position 205. The asparagine at codon 69 is replaced by histidine, an amino acid with similar properties. This amino acid position is conserved. In addition, the in silico prediction for this alteration is inconclusive. Based on the available evidence, the clinical significance of this variant remains unclear.

NM_001079802.2(FKTN):c.205A>C (p.Asn69His)

Gene: FKTN (fukutin; plus strand). Cytogenetic location: 9q31.2.
Variant type: single nucleotide variant.
Coding change: c.205A>C on transcript NM_001079802.2 (MANE Select); coding-DNA position 205, A replaced by C.
Protein change: p.Asn69His; replaces asparagine 69 with histidine.
Molecular consequence: missense variant. On other transcripts: 5 prime UTR variant (4), non-coding transcript variant (2).
Genome position (GRCh38, 1-based): chr9:105,601,184, A>C. VCF-style: chr9-105601184-A-C. GRCh37 (hg19) VCF-style: chr9-108363465-A-C.
Other names: c.205A>C, p.Asn69His (NM_001198963.2, NM_001351496.2, NM_001351498.2 and 1 more transcripts); c.136A>C, p.Asn46His (NM_001351497.2); c.-310A>C (NM_001351499.2, NM_001351500.2, NM_001351501.2 and 1 more transcripts); short protein forms N69H, N46H.
Identifiers: ClinVar variation 4614179 (VCV004614179.1).
Genomic context (GRCh38, chr9:105,601,184, plus strand): 5'-AATTCTTTTTCTCTCAAACAGCGTGCAGTTAAAAAATTTATTATGTTAACATCCAACCAA[A>C]ATGTACCAGTGTTTCTTATTGATCCTTTGATACTGGAATTGATTAATAAGAACTTTGAAC-3'
Protein context (NP_001073270.1, residues 59-79): KKFIMLTSNQ[Asn69His]VPVFLIDPLI